The following is an entry in ClinVar:

ClinVar aggregate classification (germline): Likely pathogenic. Review status: reviewed by expert panel (3 of 4 stars). 11 submissions from 11 submitters: Likely pathogenic (1). 10 of the submissions do not count toward it. Last evaluated 2025-03-11.

Conditions:
ACADVL-related disorder. Also called: ACADVL-related condition.
Very long chain acyl-CoA dehydrogenase deficiency (ACADVLD). Also called: VLCAD Deficiency; Very Long-Chain Acyl-Coenzyme A Dehydrogenase Deficiency. Identifiers: Orphanet 26793, MedGen C3887523, MONDO:0008723, OMIM 201475.

Allele frequency attached by ClinVar (database versions not stated): gnomAD 0.00001; ExAC 0.00002; TOPMed 0.00002; gnomAD exomes 0.00003 and 0.00006.
gnomAD v4.1: 81 of 1,614,060 alleles (0.005%); highest among the groups gnomAD compares: Non-Finnish European, 0.0066%; no homozygotes.

Submissions (11):

ClinGen ACADVL Variant Curation Expert Panel, ClinGen
Classification: Likely pathogenic for Very long chain acyl-CoA dehydrogenase deficiency. Last evaluated: 2025-03-11. Review status: reviewed by expert panel. Criteria: clingen acadvl acmg specifications v1. Collection method: curation. Allele origin: germline. Inheritance: Autosomal recessive inheritance.
Comment: The c.1388G>A variant in ACADVL is a missense variant predicted to cause a substitution of glycine by glutamic acid at amino acid 463 (p.Gly463Glu). This variant has been reported in at least one individual with significantly reduced VLCAD activity (1%) and an increased C14:1 level (3.04 μM) on newborn screen, which is highly specific for very long chain acyl CoA dehydrogenase (VLCAD) deficiency. Additionally, western blot analysis performed on cultured fibroblasts from patient cells show a reduction in protein expression (PP4_Moderate; PMID: 9973285, 38651394). This variant has been detected in at least five individuals with VLCAD deficiency. Of those individuals, two were heterozygous for this variant and a distinct pathogenic or likely pathogenic variant, which were not confirmed to be in trans (PM3_Supporting; PMID: 9973285, 10384387, 26385305, 28871440, 32928639, 38651394). This variant resides within a region, amino acids 460-466, of ACADVL that is defined as a critical functional domain by the ClinGen ACADVL Variant Curation Expert Panel (PM1; PMID:18227065, 20060901). The highest population minor allele frequency in gnomAD v2.1.1 is 0.00005276 in the European (non-Finnish) population, which is lower than the ClinGen ACADVL Variant Curation Expert Panel threshold (<0.001) for PM2_Supporting, meeting this criterion (PM2_Supporting). The computational predictor REVEL gives a score of 0.983, which is above the threshold of 0.75, evidence that correlates with impact to ACADVL function (PP3). In summary, this variant meets the criteria to be classified as likely pathogenic for autosomal recessive VLCAD deficiency based on the ACMG/AMP criteria applied, as specified by the ClinGen ACADVL Variant Curation Expert Panel: PP4_moderate, PM3_supporting, PM1, PM2_supporting, PP3 (ACADVL VCEP specifications version 1; approved November 9, 2021).

Labcorp Genetics (formerly Invitae), Labcorp
Classification: Pathogenic for Very long chain acyl-CoA dehydrogenase deficiency. Last evaluated: 2026-01-29. Review status: criteria provided, single submitter. Criteria: Invitae Variant Classification Sherloc (09022015). Collection method: clinical testing. Allele origin: germline. Not counted in ClinVar's aggregate classification.
Comment: This sequence change replaces glycine, which is neutral and non-polar, with glutamic acid, which is acidic and polar, at codon 463 of the ACADVL protein (p.Gly463Glu). This variant is present in population databases (rs200366828, gnomAD 0.005%). This missense change has been observed in individual(s) with very long-chain acyl-CoA dehydrogenase deficiency (PMID: 9973285; internal data). In at least one individual the data is consistent with being in trans (on the opposite chromosome) from a pathogenic variant. ClinVar contains an entry for this variant (Variation ID: 448982). Invitae Evidence Modeling of protein sequence and biophysical properties (such as structural, functional, and spatial information, amino acid conservation, physicochemical variation, residue mobility, and thermodynamic stability) indicates that this missense variant is expected to disrupt ACADVL protein function with a positive predictive value of 80%. This variant disrupts the p.Gly463 amino acid residue in ACADVL. Other variant(s) that disrupt this residue have been observed in individuals with ACADVL-related conditions (PMID: 31794763), which suggests that this may be a clinically significant amino acid residue. For these reasons, this variant has been classified as Pathogenic.

PreventionGenetics, part of Exact Sciences
Classification: Likely pathogenic for ACADVL-related condition. Last evaluated: 2026-01-26. Review status: criteria provided, single submitter. Criteria: ACMG Guidelines, 2015. Collection method: clinical testing. Allele origin: germline. Not counted in ClinVar's aggregate classification.
Comment: The ACADVL c.1388G>A variant is predicted to result in the amino acid substitution p.Gly463Glu. This variant has been observed in only 7 of ~246,000 alleles in gnomAD, indicating it is rare. In addition, it was previously reported in two patients affected with very long chain acyl-CoA dehydrogenase deficiency (VLCADD) (Andresen et al. 1999. PubMed ID: 9973285, described as 1388G>A, G423E; Gillingham et al. 2017. PubMed ID: 28871440) as well as observed three times in a cohort of patients who screened positive for VLCADD by newborn screen (Miller et al. 2015. PubMed ID: 26385305). A different substitution of the same amino acid (p.Gly463Arg) has also been reported in a VLCADD patient (Li et al. 2020. PubMed ID: 31794763). The amino acid residue p.Gly463 of the ACADVL protein has been highly conserved during evolution, and the amino acid substitution prediction programs PolyPhen-2, SIFT and MutationTaster predict the p.Gly463Glu change to be deleterious (Alamut Visual v2.11). The p.Gly463 amino acid residue is located near the substrate binding pocket of the VLCAD enzyme (McAndrew et al. 2008. PubMed ID: 18227065; RCSB PDB #2UXW, shown as position 415 on sequence page). At PreventionGenetics, we previously detected this variant in two patients with suspected VLCADD; however, neither patient was found to carry a second ACADVL sequence variant. This variant is interpreted as likely pathogenic by the ClinGen ACADVL Variant Curation Expert Panel. Based on these observations, we interpret this variant as likely pathogenic.

Natera, Inc.
Classification: Likely pathogenic for Very long chain acyl-CoA dehydrogenase deficiency. Last evaluated: 2026-01-16. Review status: criteria provided, single submitter. Criteria: Natera Variant Classification Schema (03/2026). Collection method: clinical testing. Allele origin: germline. Not counted in ClinVar's aggregate classification.
Comment: The c.1388G>A variant in ACADVL is a missense variant predicted to cause substitution of glycine to glutamic acid at amino acid 463. This variant is rare in the general population with a frequency below the threshold expected for the associated phenotype(s). This variant has been observed in one or more individuals affected with the associated recessive disease, as either homozygous or compound heterozygous with a second variant (PMID: 38651394, 10384387). This variant is located in a functionally critical region of the protein. Computational prediction algorithms indicate this variant is likely to affect gene or protein function. Given the available evidence, this variant is classified as Likely Pathogenic.

Blueprint Genetics
Classification: Uncertain significance. Last evaluated: 2024-10-28. Review status: criteria provided, single submitter. Criteria: ACMG Guidelines, 2015. Collection method: clinical testing. Allele origin: germline. Not counted in ClinVar's aggregate classification.

Fulgent Genetics
Classification: Likely pathogenic for Very long chain acyl-CoA dehydrogenase deficiency. Last evaluated: 2024-05-18. Review status: criteria provided, single submitter. Criteria: ACMG Guidelines, 2015. Collection method: clinical testing. Allele origin: germline. Not counted in ClinVar's aggregate classification.

Baylor Genetics
Classification: Likely pathogenic for Very long chain acyl-CoA dehydrogenase deficiency. Last evaluated: 2023-10-23. Review status: criteria provided, single submitter. Criteria: ACMG Guidelines, 2015. Collection method: clinical testing. Allele origin: unknown. Not counted in ClinVar's aggregate classification.

GeneDx
Classification: Likely pathogenic. Last evaluated: 2023-10-10. Review status: criteria provided, single submitter. Criteria: GeneDx Variant Classification Process June 2021. Collection method: clinical testing. Allele origin: germline. Affected: yes. Not counted in ClinVar's aggregate classification.
Comment: Not observed at a significant frequency in large population cohorts (gnomAD); In silico analysis supports that this missense variant has a deleterious effect on protein structure/function; This variant is associated with the following publications: (PMID: 9973285, 28871440, 32928639, 31794763)

Revvity Omics, Revvity
Classification: Likely pathogenic for Very long chain acyl-CoA dehydrogenase deficiency. Last evaluated: 2023-06-07. Review status: criteria provided, single submitter. Criteria: ACMG Guidelines, 2015. Collection method: clinical testing. Allele origin: germline. Not counted in ClinVar's aggregate classification.

Wong Mito Lab, Molecular and Human Genetics, Baylor College of Medicine
Classification: Pathogenic for Very long chain acyl-CoA dehydrogenase deficiency. Last evaluated: 2019-11-01. Review status: criteria provided, single submitter. Criteria: ACMG Guidelines, 2015. Collection method: clinical testing. Allele origin: germline. Not counted in ClinVar's aggregate classification.
Comment: The NM_000018.3:c.1388G>A (NP_000009.1:p.Gly463Glu) [GRCH38: NC_000017.11:g.7224023G>A] variant in ACADVL gene is interpretated to be Pathogenic based on ACMG guidelines (PMID: 25741868). This variant has been reported in PMID: 9973285. This variant meets the following evidence codes reported in the ACMG guidelines: PS1, PS3

ARUP Laboratories, Molecular Genetics and Genomics, ARUP Laboratories
Classification: Likely pathogenic for Very long chain acyl-CoA dehydrogenase deficiency. Last evaluated: 2018-12-31. Review status: criteria provided, single submitter. Criteria: ARUP Molecular Germline Variant Investigation Process. Collection method: clinical testing. Allele origin: germline. Not counted in ClinVar's aggregate classification.
Comment: The ACADVL c.1388G>A; p.Gly463Glu variant (rs200366828), also known as Gly423Glu, has been reported in multiple unrelated individuals with very long-chain acyl-CoA dehydrogenase (VLCAD) deficiency (Andresen 1999, Miller 2015). This variant is found on only seven chromosomes in the Genome Aggregation Database, indicating it is not a common polymorphism. The glycine at codon 463 is highly conserved, and computational analyses (SIFT, PolyPhen-2) predict that this variant is deleterious. Additionally, structural analyses indicate that this variant occurs within the substrate binding pocket directly adjacent to a residue involved in catalysis. Based on the available information, the p.Gly463Glu variant is considered to be likely pathogenic. References: Andresen BS et al. Clear correlation of genotype with disease phenotype in very-long-chain acyl-CoA dehydrogenase deficiency. Am J Hum Genet. 1999 Feb;64(2):479-94. McAndrew RP et al. Structural basis for substrate fatty acyl chain specificity: crystal structure of human very-long-chain acyl-CoA dehydrogenase. J Biol Chem. 2008 Apr 4;283(14):9435-43. Miller MJ et al. Recurrent ACADVL molecular findings in individuals with a positive newborn screen for very long chain acyl-coA dehydrogenase (VLCAD) deficiency in the United States. Mol Genet Metab. 2015 Nov;116(3):139-45.

Literature cited by the submitters: PubMed 9973285 (cited by Labcorp Genetics (formerly Invitae), Labcorp and Wong Mito Lab, Molecular and Human Genetics, Baylor College of Medicine); PubMed 31794763 (cited by Labcorp Genetics (formerly Invitae), Labcorp); PubMed 38651394 (cited by Natera, Inc.); PubMed 10384387 (cited by Natera, Inc.).

NM_000018.4(ACADVL):c.1388G>A (p.Gly463Glu)

Gene: ACADVL (acyl-CoA dehydrogenase very long chain; plus strand). Cytogenetic location: 17p13.1.
Variant type: single nucleotide variant.
Coding change: c.1388G>A on transcript NM_000018.4 (MANE Select); coding-DNA position 1388, G replaced by A.
Protein change: p.Gly463Glu; replaces glycine 463 with glutamic acid.
Molecular consequence: missense variant.
Genome position (GRCh38, 1-based): chr17:7,224,023, G>A. VCF-style: chr17-7224023-G-A. GRCh37 (hg19) VCF-style: chr17-7127342-G-A.
Other names: NM_000018.4(ACADVL):c.1388G>A; p.Gly463Glu; c.1322G>A, p.Gly441Glu (NM_001033859.3); c.1457G>A, p.Gly486Glu (NM_001270447.2); c.1160G>A, p.Gly387Glu (NM_001270448.2); short protein forms G463E, G387E, G486E, G441E.
Identifiers: ClinVar variation 448982 (VCV000448982.26), dbSNP rs200366828, ClinGen allele CA8338091.